The following is an entry in ClinVar:

NM_001287.6(CLCN7):c.742G>A (p.Gly248Arg)

Gene: CLCN7 (chloride voltage-gated channel 7; minus strand). Cytogenetic location: 16p13.3.
Variant type: single nucleotide variant.
Coding change: c.742G>A on transcript NM_001287.6 (MANE Select); coding-DNA position 742, G replaced by A.
Protein change: p.Gly248Arg; replaces glycine 248 with arginine.
Molecular consequence: missense variant.
Genome position (GRCh38, 1-based): chr16:1,457,334, C>T on the plus strand (G>A on the coding strand, the complement: CLCN7 is on the minus strand). VCF-style: chr16-1457334-C-T. GRCh37 (hg19) VCF-style: chr16-1507335-C-T.
Other names: c.670G>A, p.Gly224Arg (NM_001114331.3); short protein forms G224R, G248R.
Identifiers: ClinVar variation 1511904 (VCV001511904.6), dbSNP rs1209605608, ClinGen allele CA394191143.
Genomic context (GRCh38, chr16:1,457,334, plus strand): 5'-ACGTTGACCTTCCCTGAGAGATCCCGGCGGCAATCACTGAACCTGAGTGGATCATCGGCC[C>T]TTCCTGGAGACCAGAAGGACCGGTGCTCAGAGACACGCGTGACGCGGCCCTTCCTGGAGA-3'
Protein context (NP_001278.1, residues 238-258): VVGGLAVGKE[Gly248Arg]PMIHSGSVIA

ClinVar aggregate classification (germline): Uncertain significance (1 of 4 stars; one submission).

Allele frequency attached by ClinVar (database versions not stated): gnomAD exomes below 0.00001.
gnomAD v4.1: 1 of 1,613,570 alleles (0.000062%); highest among the groups gnomAD compares: Non-Finnish European, 0.000085%; no homozygotes.

Submission:

Labcorp Genetics (formerly Invitae), Labcorp
Classification: Uncertain significance. Last evaluated: 2021-08-11. Review status: criteria provided, single submitter. Criteria: Invitae Variant Classification Sherloc (09022015). Collection method: clinical testing. Allele origin: germline.
Comment: This sequence change replaces glycine with arginine at codon 248 of the CLCN7 protein (p.Gly248Arg). The glycine residue is highly conserved and there is a moderate physicochemical difference between glycine and arginine. This variant is not present in population databases (ExAC no frequency). This variant has not been reported in the literature in individuals affected with CLCN7-related conditions. Advanced modeling of protein sequence and biophysical properties (such as structural, functional, and spatial information, amino acid conservation, physicochemical variation, residue mobility, and thermodynamic stability) performed at Invitae indicates that this missense variant is expected to disrupt CLCN7 protein function. In summary, the available evidence is currently insufficient to determine the role of this variant in disease. Therefore, it has been classified as a Variant of Uncertain Significance.